The following is an entry in ClinVar:

ClinVar aggregate classification (germline): Pathogenic (1 of 4 stars; one submission).

Conditions:
Multiple sulfatase deficiency (MSD). Also called: Mucosulfatidosis; Multiple Sulfatase Deficiency Disease; Sulfatidosis, Juvenile, Austin Type. Identifiers: Orphanet 585, MedGen C0268263, MONDO:0010088, OMIM 272200.

Submission:

Myriad Genetics, Inc.
Classification: Pathogenic for Multiple sulfatase deficiency. Last evaluated: 2024-08-12. Review status: criteria provided, single submitter. Criteria: Myriad Autosomal Dominant, Autosomal Recessive and X-Linked Classification Criteria (2023). Collection method: clinical testing. Allele origin: unknown.
Comment: NM_182760.3(SUMF1):c.587_588delCT(S196Yfs*17) is expected to be pathogenic in the context of multiple sulfatase deficiency. This variant is predicted to lead to an abnormal or absent protein product due to the creation of a premature termination codon in SUMF1, a gene where loss-of-function variants are known to be pathogenic. Please note: this variant was assessed in the context of healthy population screening.

NM_182760.4(SUMF1):c.587_588del (p.Ser196fs)

Gene: SUMF1 (sulfatase modifying factor 1; minus strand). Cytogenetic location: 3p26.1.
Variant type: Microsatellite.
Coding change: c.587_588del on transcript NM_182760.4 (MANE Select); coding-DNA positions 587 to 588, 2 bases deleted (CT; older notation c.587_588delCT).
Protein change: p.Ser196fs; shifts the reading frame from serine 196.
Molecular consequence: frameshift variant.
Genome position (GRCh38, 1-based): chr3:4,420,078-4,420,079, AG deleted on the plus strand (CT on the coding strand, the reverse complement: SUMF1 is on the minus strand); deleting any 2 consecutive bases within chr3:4,420,078-4,420,081 gives the same sequence; the c. name uses the placement nearest the transcript's 3' end. VCF-style (leftmost placement, unchanged base first): chr3-4420077-TAG-T. GRCh37 (hg19) VCF-style: chr3-4461761-TAG-T.
Other names: c.512_513del, p.Ser171fs (NM_001164674.2); c.587_588del, p.Ser196fs (NM_001164675.2); short protein forms S171fs, S196fs.
Identifiers: ClinVar variation 5013445 (VCV005013445.1).